The following is an entry in ClinVar:

ClinVar aggregate classification (germline): Benign (0 of 4 stars; one submission).

Conditions:
DAGLA-related disorder. Also called: DAGLA-related condition.

Allele frequency attached by ClinVar (database versions not stated): ESP Exome Variant Server 0.24381; gnomAD 0.25385; TOPMed 0.25556; gnomAD exomes 0.26240; ExAC 0.26992; 1000 Genomes Project 30x 0.29919; 1000 Genomes Project 0.30012.
gnomAD v4.1: 422,504 of 1,613,452 alleles (26%); highest among the groups gnomAD compares: East Asian, 40%; 56,857 homozygotes.

Submission:

PreventionGenetics, part of Exact Sciences
Classification: Benign for DAGLA-related condition. Last evaluated: 2019-10-17. Review status: no assertion criteria provided. Collection method: clinical testing. Allele origin: germline.
Comment: This variant is classified as benign based on ACMG/AMP sequence variant interpretation guidelines (Richards et al. 2015 PMID: 25741868, with internal and published modifications).

NM_006133.3(DAGLA):c.63G>A (p.Pro21=)

Gene: DAGLA (diacylglycerol lipase alpha; plus strand). Cytogenetic location: 11q12.2.
Variant type: single nucleotide variant.
Coding change: c.63G>A on transcript NM_006133.3 (MANE Select); coding-DNA position 63, G replaced by A.
Protein change: p.Pro21=; no amino-acid change (proline 21 retained).
Molecular consequence: synonymous variant.
Genome position (GRCh38, 1-based): chr11:61,720,218, G>A. VCF-style: chr11-61720218-G-A. GRCh37 (hg19) VCF-style: chr11-61487690-G-A.
Identifiers: ClinVar variation 3060353 (VCV003060353.2), dbSNP rs198430, ClinGen allele CA6036446.